The following is an entry in ClinVar:

NC_000013.10:g.(?_52542570)_(52549314_?)del

Gene: ATP7B (ATPase copper transporting beta; minus strand). Cytogenetic location: 13q14.3.
Variant type: Deletion.
Identifiers: ClinVar variation 1459440 (VCV001459440.4).

ClinVar aggregate classification (germline): Pathogenic (1 of 4 stars; one submission).

Conditions:
Wilson disease (WND). Also called: Wilson's disease. Identifiers: Orphanet 905, MedGen C0019202, MONDO:0010200, OMIM 277900. Disease mechanism: loss of function.

Submission:

Labcorp Genetics (formerly Invitae), Labcorp
Classification: Pathogenic for Wilson disease. Last evaluated: 2021-08-03. Review status: criteria provided, single submitter. Criteria: Invitae Variant Classification Sherloc (09022015). Collection method: clinical testing. Allele origin: germline.
Comment: For these reasons, this variant has been classified as Pathogenic. This variant disrupts a region of the ATP7B protein in which other variant(s) (p.Asp196Glu) have been determined to be pathogenic (PMID: 24119323, 26483271, 30702195). This suggests that this is a clinically significant region of the protein, and that variants that disrupt it are likely to be disease-causing. This variant has not been reported in the literature in individuals affected with ATP7B-related conditions. This variant is a gross deletion of the genomic region encompassing exon(s) 2-4 of the ATP7B gene. This variant would be expected to be in-frame, preserving the integrity of the reading frame.

Literature cited by the submitters: PubMed 24119323; PubMed 26483271; PubMed 30702195.